The following is an entry in ClinVar:

ClinVar aggregate classification (germline): Benign/Likely benign. Review status: criteria provided, multiple submitters, no conflicts (2 of 4 stars). 2 submissions from 2 submitters: Benign (1); Likely benign (1). Last evaluated 2026-02-01.

Allele frequency attached by ClinVar (database versions not stated): gnomAD 0.00164 and 0.00154; TOPMed 0.00009; ESP Exome Variant Server 0.00016; 1000 Genomes Project 30x 0.00062; gnomAD exomes 0.00068; 1000 Genomes Project 0.00080; ExAC 0.00118.
gnomAD v4.1: 1,210 of 1,614,052 alleles (0.075%); highest among the groups gnomAD compares: Middle Eastern, 0.016%; 16 homozygotes.

Submissions (2):

CeGaT Center for Human Genetics Tuebingen
Classification: Likely benign. Last evaluated: 2026-02-01. Review status: criteria provided, single submitter. Criteria: CeGaT Center For Human Genetics Tuebingen Variant Classification Criteria Version 2. Collection method: clinical testing. Allele origin: germline. Affected: yes. Observed: 2 variant alleles.
Comment: FAT4: BP4, BP7

Labcorp Genetics (formerly Invitae), Labcorp
Classification: Benign. Last evaluated: 2025-11-02. Review status: criteria provided, single submitter. Criteria: Invitae Variant Classification Sherloc (09022015). Collection method: clinical testing. Allele origin: germline.

NM_001291303.3(FAT4):c.4839G>A (p.Ser1613=)

Gene: FAT4 (FAT atypical cadherin 4; plus strand). Cytogenetic location: 4q28.1.
Variant type: single nucleotide variant.
Coding change: c.4839G>A on transcript NM_001291303.3 (MANE Select); coding-DNA position 4839, G replaced by A.
Protein change: p.Ser1613=; no amino-acid change (serine 1613 retained).
Molecular consequence: synonymous variant.
Genome position (GRCh38, 1-based): chr4:125,321,250, G>A. VCF-style: chr4-125321250-G-A. GRCh37 (hg19) VCF-style: chr4-126242405-G-A.
Other names: c.4839G>A, p.Ser1613= (NM_001291285.3, NM_024582.6).
Identifiers: ClinVar variation 1600741 (VCV001600741.15), dbSNP rs180866934, ClinGen allele CA3072531.